The following is an entry in ClinVar:

NM_003482.4(KMT2D):c.1143del (p.Thr382fs)

Gene: KMT2D (lysine methyltransferase 2D; minus strand). Cytogenetic location: 12q13.12.
Variant type: Deletion.
Coding change: c.1143del on transcript NM_003482.4 (MANE Select); coding-DNA position 1143, one base deleted (C; older notation c.1143delC).
Protein change: p.Thr382fs; shifts the reading frame from threonine 382.
Molecular consequence: frameshift variant.
Genome position (GRCh38, 1-based): chr12:49,052,679, G deleted on the plus strand (C on the coding strand, the reverse complement: KMT2D is on the minus strand); the first of 5 consecutive G bases (chr12:49,052,679-49,052,683); deleting any one gives the same sequence. VCF-style (leftmost placement, unchanged base first): chr12-49052678-TG-T. GRCh37 (hg19) VCF-style: chr12-49446461-TG-T.
Other names: c.1143delC (NM_003482.3); short protein forms T382fs.
Identifiers: ClinVar variation 422962 (VCV000422962.2), dbSNP rs1064796125, ClinGen allele CA16619544.

ClinVar aggregate classification (germline): Pathogenic/Likely pathogenic. Review status: criteria provided, multiple submitters, no conflicts (2 of 4 stars). 2 submissions from 2 submitters: Pathogenic (1); Likely pathogenic (1). Last evaluated 2016-12-21.

Conditions:
Kabuki syndrome 1 (KABUK1). Also called: KMT2D-Related Kabuki Syndrome. Identifiers: Orphanet 2322, MedGen CN030661, MONDO:0007843, OMIM 147920.

Submissions (2):

GeneDx
Classification: Pathogenic. Last evaluated: 2016-12-21. Review status: criteria provided, single submitter. Criteria: GeneDx Variant Classification (06012015). Collection method: clinical testing. Allele origin: germline. Affected: yes.
Comment: The c.1143delC variant in the KMT2D gene has not been reported previously as a pathogenic variant nor as a benignvariant, to our knowledge. The c.1143delC variant causes a frameshift starting with codon Threonine 382, changesthis amino acid to a Leucine residue, and creates a premature Stop codon at position 20 of the new reading frame,denoted p.Thr382LeufsX20. This variant is predicted to cause loss of normal protein function either through proteintruncation or nonsense-mediated mRNA decay. The c.1143delC variant was not observed in approximately 6100individuals of European and African American ancestry in the NHLBI Exome Sequencing Project, indicating it is nota common benign variant in these populations. We interpret c.1143delC as a pathogenic variant.

Center for Human Genetics, Inc
Classification: Likely pathogenic for Kabuki syndrome 1. Last evaluated: 2016-11-01. Review status: criteria provided, single submitter. Criteria: ACMG Guidelines, 2015. Collection method: clinical testing. Allele origin: germline. Affected: yes.